The following is an entry in ClinVar:

ClinVar aggregate classification (germline): Pathogenic (1 of 4 stars; one submission).

Conditions:
Osteogenesis imperfecta type I (OI1). Also called: Classic Non-deforming Osteogenesis Imperfecta with Blue Sclerae; OI, TYPE I; OSTEOGENESIS IMPERFECTA TARDA; OSTEOGENESIS IMPERFECTA WITH BLUE SCLERAE; Osteogenesis imperfecta type 1; Lobstein's Disease. Identifiers: Orphanet 216796, Orphanet 666, MedGen C0023931, MONDO:0008146, OMIM 166200. Disease mechanism: loss of function.

Submission:

Labcorp Genetics (formerly Invitae), Labcorp
Classification: Pathogenic for Osteogenesis imperfecta type I. Last evaluated: 2024-10-11. Review status: criteria provided, single submitter. Criteria: Invitae Variant Classification Sherloc (09022015). Collection method: clinical testing. Allele origin: germline.
Comment: This sequence change creates a premature translational stop signal (p.Leu140Phefs*125) in the COL1A1 gene. It is expected to result in an absent or disrupted protein product. Loss-of-function variants in COL1A1 are known to be pathogenic (PMID: 7942841, 9295084, 9443882). This variant is not present in population databases (gnomAD no frequency). This variant has not been reported in the literature in individuals affected with COL1A1-related conditions. For these reasons, this variant has been classified as Pathogenic.

Literature cited by the submitters: PubMed 7942841; PubMed 9295084; PubMed 9443882.

NM_000088.4(COL1A1):c.418del (p.Leu140fs)

Gene: COL1A1 (collagen type I alpha 1 chain; minus strand). Cytogenetic location: 17q21.33.
Variant type: Deletion.
Coding change: c.418del on transcript NM_000088.4 (MANE Select); coding-DNA position 418, one base deleted (C; older notation c.418delC).
Protein change: p.Leu140fs; shifts the reading frame from leucine 140.
Molecular consequence: frameshift variant.
Genome position (GRCh38, 1-based): chr17:50,199,279, G deleted on the plus strand (C on the coding strand, the reverse complement: COL1A1 is on the minus strand). VCF-style (leftmost placement, unchanged base first): chr17-50199278-AG-A. GRCh37 (hg19) VCF-style: chr17-48276639-AG-A.
Other names: short protein forms L140fs.
Identifiers: ClinVar variation 3647164 (VCV003647164.2).